The following is an entry in ClinVar:

NM_001048174.2(MUTYH):c.420+5G>A

Gene: MUTYH (mutY DNA glycosylase; minus strand). Cytogenetic location: 1p34.1.
Variant type: single nucleotide variant.
Coding change: c.420+5G>A on transcript NM_001048174.2 (MANE Select); 5 bases into the intron after coding-DNA position 420, G replaced by A.
Molecular consequence: intron variant.
Genome position (GRCh38, 1-based): chr1:45,332,913, C>T on the plus strand (G>A on the coding strand, the complement: MUTYH is on the minus strand). VCF-style: chr1-45332913-C-T. GRCh37 (hg19) VCF-style: chr1-45798585-C-T.
Other names: c.75+5G>A (NM_001350651.2, NM_001350650.2); c.144+5G>A (NM_001293192.2, NM_001293196.2); c.420+5G>A (NM_001048171.2, NM_001048173.2, NM_001293195.2); c.465+5G>A (NM_001293190.2); c.495+5G>A (NM_012222.3); c.504+5G>A (NM_001128425.2); c.423+5G>A (NM_001048172.2); c.453+5G>A (NM_001293191.2).
Identifiers: ClinVar variation 1744948 (VCV001744948.6), dbSNP rs1325104263, ClinGen allele CA2580063138.

ClinVar aggregate classification (germline): Conflicting classifications of pathogenicity. Review status: criteria provided, conflicting classifications (1 of 4 stars). 2 submissions from 2 submitters: Likely pathogenic (1); Uncertain significance (1). Last evaluated 2024-11-13.

Conditions:
Hereditary cancer-predisposing syndrome. Also called: Hereditary Cancer Syndrome; Hereditary neoplastic syndrome; Neoplastic Syndromes, Hereditary; Tumor predisposition. Identifiers: Orphanet 140162, MedGen C0027672, MeSH D009386, MONDO:0015356.
Familial adenomatous polyposis 2. Also called: MUTYH-associated polyposis; MUTYH-related attenuated familial adenomatous polyposis; FAP type 2; Adenomas, multiple colorectal; MYH-associated polyposis; MUTYH Polyposis. Identifiers: Orphanet 220460, Orphanet 247798, MedGen C3272841, MONDO:0012041, OMIM 608456.

Submissions (2):

Ambry Genetics
Classification: Likely pathogenic for Hereditary cancer-predisposing syndrome. Last evaluated: 2024-11-13. Review status: criteria provided, single submitter. Criteria: Ambry Variant Classification Scheme 2023. Collection method: clinical testing. Allele origin: germline.
Comment: The c.504+5G>A intronic variant results from a G to A substitution 5 nucleotides after coding exon 6 in the MUTYH gene. This nucleotide position is well conserved in available vertebrate species. In silico splice site analysis predicts that this alteration will weaken the native splice donor site. RNA studies have demonstrated that this alteration results in abnormal splicing in the set of samples tested (Ambry internal data). The resulting transcript is predicted to be in-frame and is not expected to trigger nonsense-mediated mRNA decay. The exact functional effect of the altered amino acid sequence is unknown; however, the impacted region is critical for protein function (Ambry internal data). This variant is considered to be rare based on population cohorts in the Genome Aggregation Database (gnomAD). Based on the majority of available evidence to date, this variant is likely to be pathogenic.

Labcorp Genetics (formerly Invitae), Labcorp
Classification: Uncertain significance for Familial adenomatous polyposis 2. Last evaluated: 2023-12-14. Review status: criteria provided, single submitter. Criteria: Invitae Variant Classification Sherloc (09022015). Collection method: clinical testing. Allele origin: germline.
Comment: This sequence change falls in intron 6 of the MUTYH gene. It does not directly change the encoded amino acid sequence of the MUTYH protein. It affects a nucleotide within the consensus splice site. This variant is not present in population databases (gnomAD no frequency). This variant has not been reported in the literature in individuals affected with MUTYH-related conditions. ClinVar contains an entry for this variant (Variation ID: 1744948). Variants that disrupt the consensus splice site are a relatively common cause of aberrant splicing (PMID: 17576681, 9536098). Algorithms developed to predict the effect of sequence changes on RNA splicing suggest that this variant may disrupt the consensus splice site. In summary, the available evidence is currently insufficient to determine the role of this variant in disease. Therefore, it has been classified as a Variant of Uncertain Significance.

Literature cited by the submitters: PubMed 17576681 (cited by Labcorp Genetics (formerly Invitae), Labcorp); PubMed 9536098 (cited by Labcorp Genetics (formerly Invitae), Labcorp).